The following is an entry in ClinVar:

ClinVar aggregate classification (germline): Likely pathogenic (0 of 4 stars; one submission).

Conditions:
CFAP43-related disorder. Also called: CFAP43-related condition.

Submission:

PreventionGenetics, part of Exact Sciences
Classification: Likely pathogenic for CFAP43-related condition. Last evaluated: 2023-12-28. Review status: no assertion criteria provided. Collection method: clinical testing. Allele origin: germline.
Comment: The CFAP43 c.3716delG variant is predicted to result in a frameshift and premature protein termination (p.Ser1239Thrfs*7). To our knowledge, this variant has not been reported in the literature or in a large population database, indicating this variant is rare. Frameshift variants in CFAP43 are expected to be pathogenic for autosomal recessive spermatogenic failure 19. This variant is interpreted as likely pathogenic.

NM_025145.7(CFAP43):c.3716del (p.Ser1239fs)

Gene: CFAP43 (cilia and flagella associated protein 43; minus strand). Cytogenetic location: 10q25.1.
Variant type: Deletion.
Coding change: c.3716del on transcript NM_025145.7 (MANE Select); coding-DNA position 3716, one base deleted (G; older notation c.3716delG).
Protein change: p.Ser1239fs; shifts the reading frame from serine 1239.
Molecular consequence: frameshift variant.
Genome position (GRCh38, 1-based): chr10:104,147,943, C deleted on the plus strand (G on the coding strand, the reverse complement: CFAP43 is on the minus strand). VCF-style (leftmost placement, unchanged base first): chr10-104147942-GC-G. GRCh37 (hg19) VCF-style: chr10-105907700-GC-G.
Other names: short protein forms S1239fs.
Identifiers: ClinVar variation 3029042 (VCV003029042.2), dbSNP rs2493499292, ClinGen allele CA2740093554.